The following is an entry in ClinVar:

ClinVar aggregate classification (germline): Conflicting classifications of pathogenicity. Review status: criteria provided, conflicting classifications (1 of 4 stars). 3 submissions from 3 submitters: Uncertain significance (2); Likely benign (1). Last evaluated 2025-07-08.

Conditions:
Cardiovascular phenotype. Identifiers: MedGen CN230736.
Hereditary cancer-predisposing syndrome. Also called: Hereditary neoplastic syndrome; Neoplastic Syndromes, Hereditary; Tumor predisposition; Hereditary Cancer Syndrome. Identifiers: Orphanet 140162, MedGen C0027672, MeSH D009386, MONDO:0015356.
Neurofibromatosis, type 1 (NF1). Also called: VON RECKLINGHAUSEN DISEASE; Peripheral type neurofibromatosis; NEUROFIBROMATOSIS, TYPE I, SOMATIC; Neurofibromatosis, type I. Identifiers: Orphanet 636, MedGen C0027831, MONDO:0018975, OMIM 162200. Disease mechanism: loss of function.

Allele frequency attached by ClinVar (database versions not stated): gnomAD exomes below 0.00001.
gnomAD v4.1: 1 of 1,579,098 alleles (0.000063%); highest among the groups gnomAD compares: Non-Finnish European, 0.000086%; no homozygotes.

Submissions (3):

Labcorp Genetics (formerly Invitae), Labcorp
Classification: Likely benign for Neurofibromatosis, type 1. Last evaluated: 2025-07-08. Review status: criteria provided, single submitter. Criteria: Invitae Variant Classification Sherloc (09022015). Collection method: clinical testing. Allele origin: germline.

Genome-Nilou Lab
Classification: Uncertain significance for Neurofibromatosis, type 1. Last evaluated: 2022-03-15. Review status: criteria provided, single submitter. Criteria: ACMG Guidelines, 2015. Collection method: clinical testing. Allele origin: germline. Affected: no.

Ambry Genetics
Classification: Uncertain significance for Cardiovascular phenotype; Hereditary cancer-predisposing syndrome. Last evaluated: 2021-05-04. Review status: criteria provided, single submitter. Criteria: Ambry Variant Classification Scheme 2023. Collection method: clinical testing. Allele origin: germline.
Comment: The c.7127-5T>G intronic variant results from a T to G substitution 5 nucleotides upstream from coding exon 48 in the NF1 gene. This nucleotide position is well conserved in available vertebrate species. In silico splice site analysis predicts that this alteration will not have any significant effect on splicing; however, direct evidence is insufficient at this time (Ambry internal data). Since supporting evidence is limited at this time, the clinical significance of this alteration remains unclear.

NM_001042492.3(NF1):c.7190-5T>G

Gene: NF1 (neurofibromin 1; plus strand). Cytogenetic location: 17q11.2.
Variant type: single nucleotide variant.
Coding change: c.7190-5T>G on transcript NM_001042492.3 (MANE Select); 5 bases into the intron before coding-DNA position 7190, T replaced by G.
Molecular consequence: intron variant.
Genome position (GRCh38, 1-based): chr17:31,349,115, T>G. VCF-style: chr17-31349115-T-G. GRCh37 (hg19) VCF-style: chr17-29676133-T-G.
Other names: c.7127-5T>G (NM_000267.4).
Identifiers: ClinVar variation 481915 (VCV000481915.11), dbSNP rs748245325, ClinGen allele CA658658599.